The following is an entry in ClinVar:

NM_002473.6(MYH9):c.490+10G>A

Gene: MYH9 (myosin heavy chain 9; minus strand). Cytogenetic location: 22q12.3.
Variant type: single nucleotide variant.
Coding change: c.490+10G>A on transcript NM_002473.6 (MANE Select); 10 bases into the intron after coding-DNA position 490, G replaced by A.
Molecular consequence: intron variant.
Genome position (GRCh38, 1-based): chr22:36,341,360, C>T on the plus strand (G>A on the coding strand, the complement: MYH9 is on the minus strand). VCF-style: chr22-36341360-C-T. GRCh37 (hg19) VCF-style: chr22-36737405-C-T.
Other names: p.?; c.490+10G>A (NM_002473.5).
Identifiers: ClinVar variation 1589767 (VCV001589767.10), dbSNP rs775149724, ClinGen allele CA10210632.

ClinVar aggregate classification (germline): Likely benign. Review status: criteria provided, multiple submitters, no conflicts (2 of 4 stars). 3 submissions from 3 submitters: Likely benign (3). Last evaluated 2025-12-19.

Allele frequency attached by ClinVar (database versions not stated): gnomAD 0.00003 and 0.00004; TOPMed 0.00004; ExAC 0.00006; gnomAD exomes 0.00007 and 0.00009.
gnomAD v4.1: 141 of 1,613,124 alleles (0.0087%); highest among the groups gnomAD compares: Admixed American, 0.03%; no homozygotes.

Submissions (3):

Labcorp Genetics (formerly Invitae), Labcorp
Classification: Likely benign. Last evaluated: 2025-12-19. Review status: criteria provided, single submitter. Criteria: Invitae Variant Classification Sherloc (09022015). Collection method: clinical testing. Allele origin: germline.

Mayo Clinic Laboratories, Mayo Clinic
Classification: Likely benign. Last evaluated: 2025-03-13. Review status: criteria provided, single submitter. Criteria: ACMG Guidelines, 2015. Collection method: clinical testing. Allele origin: germline. Observed: 1 variant allele.
Comment: BP4, BP7

Blueprint Genetics
Classification: Likely benign. Last evaluated: 2021-08-17. Review status: criteria provided, single submitter. Criteria: ACMG Guidelines, 2015. Collection method: clinical testing. Allele origin: germline.